The following is an entry in ClinVar:

ClinVar aggregate classification (germline): Uncertain significance. Review status: criteria provided, single submitter (1 of 4 stars). 2 submissions from 2 submitters: Uncertain significance (1). 1 of the submissions does not count toward it. Last evaluated 2024-01-02.

Conditions:
MDM4-related disorder. Also called: MDM4-related condition.

Allele frequency attached by ClinVar (database versions not stated): TOPMed 0.00006; ExAC 0.00008; gnomAD 0.00009; gnomAD exomes 0.00013; ESP Exome Variant Server 0.00023.
gnomAD v4.1: 199 of 1,613,898 alleles (0.012%); highest among the groups gnomAD compares: South Asian, 0.068%; 1 homozygote.

Submissions (2):

Ambry Genetics
Classification: Uncertain significance. Last evaluated: 2024-01-02. Review status: criteria provided, single submitter. Criteria: Ambry Variant Classification Scheme 2023. Collection method: clinical testing. Allele origin: germline.

PreventionGenetics, part of Exact Sciences
Classification: Likely benign for MDM4-related condition. Last evaluated: 2022-02-26. Review status: no assertion criteria provided. Collection method: clinical testing. Allele origin: germline. Not counted in ClinVar's aggregate classification.
Comment: This variant is classified as likely benign based on ACMG/AMP sequence variant interpretation guidelines (Richards et al. 2015 PMID: 25741868, with internal and published modifications).

NM_002393.5(MDM4):c.734T>C (p.Val245Ala)

Gene: MDM4 (MDM4 regulator of p53; plus strand). Cytogenetic location: 1q32.1.
Variant type: single nucleotide variant.
Coding change: c.734T>C on transcript NM_002393.5 (MANE Select); coding-DNA position 734, T replaced by C.
Protein change: p.Val245Ala; replaces valine 245 with alanine.
Molecular consequence: missense variant. On other transcripts: 3 prime UTR variant (1), intron variant (4).
Genome position (GRCh38, 1-based): chr1:204,544,596, T>C. VCF-style: chr1-204544596-T-C. GRCh37 (hg19) VCF-style: chr1-204513724-T-C.
Other names: c.*243T>C (NM_001278516.2); c.440T>C, p.Val147Ala (NM_001278517.2); c.672+1652T>C (NM_001204171.2); c.344-2201T>C (NM_001278518.2); c.154-2201T>C (NM_001278519.2); c.79-4670T>C (NM_001204172.2); short protein forms V147A, V245A.
Identifiers: ClinVar variation 3035976 (VCV003035976.3), dbSNP rs372940927, ClinGen allele CA1348766.